The following is an entry in ClinVar:

NM_032447.5(FBN3):c.4963C>T (p.Arg1655Trp)

Gene: FBN3 (fibrillin 3; minus strand). Cytogenetic location: 19p13.2.
Variant type: single nucleotide variant.
Coding change: c.4963C>T on transcript NM_032447.5 (MANE Select); coding-DNA position 4963, C replaced by T.
Protein change: p.Arg1655Trp; replaces arginine 1655 with tryptophan.
Molecular consequence: missense variant.
Genome position (GRCh38, 1-based): chr19:8,102,850, G>A on the plus strand (C>T on the coding strand, the complement: FBN3 is on the minus strand). VCF-style: chr19-8102850-G-A. GRCh37 (hg19) VCF-style: chr19-8167734-G-A.
Other names: c.4963C>T, p.Arg1655Trp (NM_001321431.2); short protein forms R1655W.
Identifiers: ClinVar variation 3513671 (VCV003513671.3).

ClinVar aggregate classification (germline): Uncertain significance. Review status: criteria provided, multiple submitters, no conflicts (2 of 4 stars). 2 submissions from 2 submitters: Uncertain significance (2). Last evaluated 2024-11-16.

gnomAD v4.1: 53 of 1,613,974 alleles (0.0033%); highest among the groups gnomAD compares: African/African-American, 0.017%; no homozygotes.

Submissions (2):

Labcorp Genetics (formerly Invitae), Labcorp
Classification: Uncertain significance. Last evaluated: 2024-11-16. Review status: criteria provided, single submitter. Criteria: Invitae Variant Classification Sherloc (09022015). Collection method: clinical testing. Allele origin: germline.
Comment: This sequence change replaces arginine, which is basic and polar, with tryptophan, which is neutral and slightly polar, at codon 1655 of the FBN3 protein (p.Arg1655Trp). This variant is present in population databases (rs150158359, gnomAD 0.02%). This variant has not been reported in the literature in individuals affected with FBN3-related conditions. Invitae Evidence Modeling of protein sequence and biophysical properties (such as structural, functional, and spatial information, amino acid conservation, physicochemical variation, residue mobility, and thermodynamic stability) indicates that this missense variant is expected to disrupt FBN3 protein function with a positive predictive value of 80%. In summary, the available evidence is currently insufficient to determine the role of this variant in disease. Therefore, it has been classified as a Variant of Uncertain Significance.

Ambry Genetics
Classification: Uncertain significance. Last evaluated: 2024-07-06. Review status: criteria provided, single submitter. Criteria: Ambry Variant Classification Scheme 2023. Collection method: clinical testing. Allele origin: germline.